The following is an entry in ClinVar:

ClinVar aggregate classification (germline): Likely pathogenic. Review status: criteria provided, single submitter (1 of 4 stars). 2 submissions from 2 submitters: Likely pathogenic (1). 1 of the submissions does not count toward it. Last evaluated 2023-05-27.

Conditions:
Cardiomyopathy, dilated, with wooly hair, keratoderma, and tooth agenesis. Also called: Cardiomyopathy, dilated, with woolly hair, keratoderma, and tooth agenesis; Erythrokeratodermia-cardiomyopathy syndrome. Identifiers: Orphanet 476096, Orphanet 65282, MedGen C4014393, MONDO:0014355, OMIM 615821.
Arrhythmogenic cardiomyopathy with wooly hair and keratoderma. Also called: Arrhythmogenic cardiomyopathy with woolly hair and keratoderma; Carvajal syndrome; Dilated cardiomyopathy with woolly hair and keratoderma; PALMOPLANTAR KERATODERMA WITH LEFT VENTRICULAR CARDIOMYOPATHY AND WOOLLY HAIR. Identifiers: Orphanet 65282, MedGen C1854063, MONDO:0011581, OMIM 605676.
Arrhythmogenic right ventricular dysplasia 8 (ARVD8). Also called: ARRHYTHMOGENIC RIGHT VENTRICULAR DYSPLASIA, FAMILIAL, 8; ARRHYTHMOGENIC RIGHT VENTRICULAR CARDIOMYOPATHY 8; Arrhythmogenic Right Ventricular Dysplasia/Cardiomyopathy 8. Identifiers: MedGen C1843896, MONDO:0011831, OMIM 607450.

Submissions (2):

Labcorp Genetics (formerly Invitae), Labcorp
Classification: Likely pathogenic for Arrhythmogenic cardiomyopathy with wooly hair and keratoderma; Arrhythmogenic right ventricular dysplasia 8. Last evaluated: 2023-05-27. Review status: criteria provided, single submitter. Criteria: Invitae Variant Classification Sherloc (09022015). Collection method: clinical testing. Allele origin: germline.
Comment: An algorithm developed to predict the effect of missense changes on protein structure and function (PolyPhen-2) suggests that this variant is likely to be tolerated. Experimental studies have shown that this missense change affects DSP function (PMID: 26604139). In summary, the currently available evidence indicates that the variant is pathogenic, but additional data are needed to prove that conclusively. Therefore, this variant has been classified as Likely Pathogenic. ClinVar contains an entry for this variant (Variation ID: 372126). This sequence change replaces histidine, which is basic and polar, with proline, which is neutral and non-polar, at codon 618 of the DSP protein (p.His618Pro). This variant is not present in population databases (gnomAD no frequency). This missense change has been observed in individual(s) with autosomal dominant DSP-related conditions (PMID: 26604139). In at least one individual the variant was observed to be de novo.

OMIM
Classification: Pathogenic for CARDIOMYOPATHY, DILATED, WITH WOOLLY HAIR, KERATODERMA, AND TOOTH AGENESIS. Last evaluated: 2016-11-22. Review status: no assertion criteria provided. Collection method: literature only. Allele origin: germline. Not counted in ClinVar's aggregate classification.

Literature cited by the submitters: PubMed 26604139 (cited by Labcorp Genetics (formerly Invitae), Labcorp and OMIM).

NM_004415.4(DSP):c.1853A>C (p.His618Pro)

Gene: DSP (desmoplakin; plus strand). Cytogenetic location: 6p24.3.
Variant type: single nucleotide variant.
Coding change: c.1853A>C on transcript NM_004415.4 (MANE Select); coding-DNA position 1853, A replaced by C.
Protein change: p.His618Pro; replaces histidine 618 with proline.
Molecular consequence: missense variant.
Genome position (GRCh38, 1-based): chr6:7,571,534, A>C. VCF-style: chr6-7571534-A-C. GRCh37 (hg19) VCF-style: chr6-7571767-A-C.
Other names: c.1853A>C (LRG_423t1); c.1853A>C, p.His618Pro (NM_001008844.3, NM_001319034.2); short protein forms H618P.
Identifiers: ClinVar variation 372126 (VCV000372126.4), dbSNP rs1554107096, ClinGen allele CA362679550.